The following is an entry in ClinVar:

NM_198578.4(LRRK2):c.2788C>A (p.Gln930Lys)

Gene: LRRK2 (leucine rich repeat kinase 2; plus strand). Cytogenetic location: 12q12.
Variant type: single nucleotide variant.
Coding change: c.2788C>A on transcript NM_198578.4 (MANE Select); coding-DNA position 2788, C replaced by A.
Protein change: p.Gln930Lys; replaces glutamine 930 with lysine.
Molecular consequence: missense variant.
Genome position (GRCh38, 1-based): chr12:40,293,643, C>A. VCF-style: chr12-40293643-C-A. GRCh37 (hg19) VCF-style: chr12-40687445-C-A.
Other names: short protein forms Q930K.
Identifiers: ClinVar variation 3540666 (VCV003540666.1).

ClinVar aggregate classification (germline): Uncertain significance (1 of 4 stars; one submission).

Conditions:
Inborn genetic diseases. Identifiers: MedGen C0950123, MeSH D030342.

Submission:

Ambry Genetics
Classification: Uncertain significance for Inborn genetic diseases. Last evaluated: 2024-09-09. Review status: criteria provided, single submitter. Criteria: Ambry Variant Classification Scheme 2023. Collection method: clinical testing. Allele origin: germline.
Comment: The p.Q930K variant (also known as c.2788C>A), located in coding exon 21 of the LRRK2 gene, results from a C to A substitution at nucleotide position 2788. The glutamine at codon 930 is replaced by lysine, an amino acid with similar properties. This amino acid position is conserved. In addition, this alteration is predicted to be tolerated by in silico analysis. Based on the available evidence, the clinical significance of this variant remains unclear.